The following is an entry in ClinVar:

ClinVar aggregate classification (germline): Conflicting classifications of pathogenicity. Review status: criteria provided, conflicting classifications (1 of 4 stars). 3 submissions from 3 submitters: Uncertain significance (1); Likely benign (2). Last evaluated 2025-12-02.

Conditions:
BCS1L-related disorder. Also called: BCS1L-related disorders; BCS1L-related condition. Identifiers: MedGen CN239240.

gnomAD v4.1: 4 of 1,614,162 alleles (0.00025%); highest among the groups gnomAD compares: African/African-American, 0.0053%; no homozygotes.

Submissions (3):

Labcorp Genetics (formerly Invitae), Labcorp
Classification: Likely benign. Last evaluated: 2025-12-02. Review status: criteria provided, single submitter. Criteria: Invitae Variant Classification Sherloc (09022015). Collection method: clinical testing. Allele origin: germline.

PreventionGenetics, part of Exact Sciences
Classification: Likely benign for BCS1L-related condition. Last evaluated: 2025-07-31. Review status: criteria provided, single submitter. Criteria: ACMG Guidelines, 2015. Collection method: clinical testing. Allele origin: germline.
Comment: This variant is classified as likely benign based on ACMG/AMP sequence variant interpretation guidelines (Richards et al. 2015 PMID: 25741868, with internal and published modifications).

Eurofins Ntd Llc (ga)
Classification: Uncertain significance. Last evaluated: 2015-08-25. Review status: criteria provided, single submitter. Criteria: EGL Classification Definitions 2015. Collection method: clinical testing. Allele origin: germline. Observed: 1 variant allele, 1 heterozygote.

NM_001079866.2(BCS1L):c.349C>A (p.Arg117=)

Gene: BCS1L (BCS1 ubiquinol-cytochrome c reductase complex chaperone; plus strand). Cytogenetic location: 2q35.
Variant type: single nucleotide variant.
Coding change: c.349C>A on transcript NM_001079866.2 (MANE Select); coding-DNA position 349, C replaced by A.
Protein change: p.Arg117=; no amino-acid change (arginine 117 retained).
Molecular consequence: synonymous variant. On other transcripts: 5 prime UTR variant (7), non-coding transcript variant (1), intron variant (1).
Genome position (GRCh38, 1-based): chr2:218,661,434, C>A. VCF-style: chr2-218661434-C-A. GRCh37 (hg19) VCF-style: chr2-219526157-C-A.
Other names: c.349C>A, p.Arg117= (NM_001257342.2, NM_001257343.2, NM_001257344.2 and 10 more transcripts); c.-12C>A (NM_001318836.2, NM_001371451.1); c.-128C>A (NM_001371453.1, NM_001371454.1, NM_001371455.1 and 2 more transcripts); c.-41-325C>A (NM_001371452.1); c.349C>A (NM_004328.4).
Identifiers: ClinVar variation 282927 (VCV000282927.15), dbSNP rs777735526, ClinGen allele CA10604347.